The following is an entry in ClinVar:

NM_003823.4(TNFRSF6B):c.518A>G (p.Asn173Ser)

Genes: RTEL1-TNFRSF6B (RTEL1-TNFRSF6B readthrough (NMD candidate); plus strand), TNFRSF6B (TNF receptor superfamily member 6b; plus strand). Cytogenetic location: 20q13.33.
Variant type: single nucleotide variant.
Coding change: c.518A>G on transcript NM_003823.4 (MANE Select); coding-DNA position 518, A replaced by G.
Protein change: p.Asn173Ser; replaces asparagine 173 with serine.
Molecular consequence: missense variant. On other transcripts: non-coding transcript variant (1).
Genome position (GRCh38, 1-based): chr20:63,697,421, A>G. VCF-style: chr20-63697421-A-G. GRCh37 (hg19) VCF-style: chr20-62328774-A-G.
Other names: c.518A>G (NM_003823.3); short protein forms N173S.
Identifiers: ClinVar variation 3711503 (VCV003711503.3).

ClinVar aggregate classification (germline): Uncertain significance. Review status: criteria provided, multiple submitters, no conflicts (2 of 4 stars). 2 submissions from 2 submitters: Uncertain significance (2). Last evaluated 2025-10-18.

gnomAD v4.1: 18 of 1,609,578 alleles (0.0011%); highest among the groups gnomAD compares: Non-Finnish European, 0.0014%; no homozygotes.

Submissions (2):

Ambry Genetics
Classification: Uncertain significance. Last evaluated: 2025-10-18. Review status: criteria provided, single submitter. Criteria: Ambry Variant Classification Scheme 2023. Collection method: clinical testing. Allele origin: germline.

Labcorp Genetics (formerly Invitae), Labcorp
Classification: Uncertain significance. Last evaluated: 2025-01-08. Review status: criteria provided, single submitter. Criteria: Invitae Variant Classification Sherloc (09022015). Collection method: clinical testing. Allele origin: germline.
Comment: This sequence change replaces asparagine, which is neutral and polar, with serine, which is neutral and polar, at codon 173 of the TNFRSF6B protein (p.Asn173Ser). This variant is present in population databases (rs766896651, gnomAD 0.003%). This variant has not been reported in the literature in individuals affected with TNFRSF6B-related conditions. An algorithm developed to predict the effect of missense changes on protein structure and function (PolyPhen-2) suggests that this variant is likely to be tolerated. In summary, the available evidence is currently insufficient to determine the role of this variant in disease. Therefore, it has been classified as a Variant of Uncertain Significance.